The following is an entry in ClinVar:

NM_002691.4(POLD1):c.-4C>T

Gene: POLD1 (DNA polymerase delta 1, catalytic subunit; plus strand). Cytogenetic location: 19q13.33.
Variant type: single nucleotide variant.
Coding change: c.-4C>T on transcript NM_002691.4 (MANE Select); 4 bases upstream of the start codon, C replaced by T.
Molecular consequence: 5 prime UTR variant. On other transcripts: non-coding transcript variant (1).
Genome position (GRCh38, 1-based): chr19:50,384,388, C>T. VCF-style: chr19-50384388-C-T. GRCh37 (hg19) VCF-style: chr19-50887645-C-T.
Other names: c.-7C>T (NM_001256849.1).
Identifiers: ClinVar variation 3935531 (VCV003935531.1).
Genomic context (GRCh38, chr19:50,384,388, plus strand): 5'-GCGCGCGCGGGAGTCAGGGGTCACGGCGGCGTAGGCTGTGGCGGGAAACGCTGTTTGAAG[C>T]GGGTGAGTAGAGGGGAAAAAGGGAGTTCGGGGCAGTGGGCCTGGTAGGGAACGGGGCTTG-3'

ClinVar aggregate classification (germline): Uncertain significance (1 of 4 stars; one submission).

Conditions:
Hereditary cancer-predisposing syndrome. Also called: Tumor predisposition; Hereditary neoplastic syndrome; Hereditary Cancer Syndrome; Neoplastic Syndromes, Hereditary. Identifiers: Orphanet 140162, MedGen C0027672, MeSH D009386, MONDO:0015356.

Submission:

Ambry Genetics
Classification: Uncertain significance for Hereditary cancer-predisposing syndrome. Last evaluated: 2025-05-13. Review status: criteria provided, single submitter. Criteria: Ambry Variant Classification Scheme 2023. Collection method: clinical testing. Allele origin: germline.
Comment: The c.-4C>T variant is located in the 5' untranslated region (5&rsquo; UTR) of the POLD1 gene. This variant results from a C to T substitution 4 bases upstream from the first translated codon. This nucleotide position is well conserved in available vertebrate species. Based on the available evidence, the clinical significance of this variant remains unclear.